The following is an entry in ClinVar:

ClinVar aggregate classification (germline): Likely pathogenic. Review status: criteria provided, single submitter (1 of 4 stars). 2 submissions from 2 submitters: Likely pathogenic (1). 1 of the submissions does not count toward it. Last evaluated 2023-10-29.

Conditions:
Glycine encephalopathy. Also called: Nonketotic hyperglycinemia; Non-ketotic hyperglycinemia. Identifiers: Orphanet 407, MedGen C0751748, MONDO:0011612, HP:0008288.
Glycine encephalopathy 1 (GCE1). Identifiers: MedGen CN376801, MONDO:0958179, OMIM 605899.

Submissions (2):

Labcorp Genetics (formerly Invitae), Labcorp
Classification: Likely pathogenic for Glycine encephalopathy. Last evaluated: 2023-10-29. Review status: criteria provided, single submitter. Criteria: Invitae Variant Classification Sherloc (09022015). Collection method: clinical testing. Allele origin: germline.
Comment: This sequence change falls in intron 16 of the GLDC gene. It does not directly change the encoded amino acid sequence of the GLDC protein. It affects a nucleotide within the consensus splice site. This variant is not present in population databases (gnomAD no frequency). This variant has been observed in individual(s) with glycine encephalopathy (PMID: 27362913; Invitae). In at least one individual the data is consistent with being in trans (on the opposite chromosome) from a pathogenic variant. ClinVar contains an entry for this variant (Variation ID: 462862). Variants that disrupt the consensus splice site are a relatively common cause of aberrant splicing (PMID: 17576681, 9536098). Algorithms developed to predict the effect of sequence changes on RNA splicing suggest that this variant may disrupt the consensus splice site. In summary, the currently available evidence indicates that the variant is pathogenic, but additional data are needed to prove that conclusively. Therefore, this variant has been classified as Likely Pathogenic.

Counsyl
Classification: Uncertain significance for Glycine encephalopathy 1. Last evaluated: 2018-03-08. Review status: no assertion criteria provided. Collection method: clinical testing. Allele origin: unknown. Not counted in ClinVar's aggregate classification.

Literature cited by the submitters: PubMed 27362913 (cited by Labcorp Genetics (formerly Invitae), Labcorp and Counsyl); PubMed 17576681 (cited by Labcorp Genetics (formerly Invitae), Labcorp); PubMed 9536098 (cited by Labcorp Genetics (formerly Invitae), Labcorp).

NM_000170.3(GLDC):c.1926+5G>A

Gene: GLDC (glycine decarboxylase; minus strand). Cytogenetic location: 9p24.1.
Variant type: single nucleotide variant.
Coding change: c.1926+5G>A on transcript NM_000170.3 (MANE Select); 5 bases into the intron after coding-DNA position 1926, G replaced by A.
Molecular consequence: intron variant.
Genome position (GRCh38, 1-based): chr9:6,565,349, C>T on the plus strand (G>A on the coding strand, the complement: GLDC is on the minus strand). VCF-style: chr9-6565349-C-T. GRCh37 (hg19) VCF-style: chr9-6565349-C-T.
Identifiers: ClinVar variation 462862 (VCV000462862.11), dbSNP rs1554644678, ClinGen allele CA658657857.